The following is an entry in ClinVar:

NM_058216.3(RAD51C):c.1073A>G (p.Gln358Arg)

Gene: RAD51C (RAD51 paralog C; plus strand). Cytogenetic location: 17q22.
Variant type: single nucleotide variant.
Coding change: c.1073A>G on transcript NM_058216.3 (MANE Select); coding-DNA position 1073, A replaced by G.
Protein change: p.Gln358Arg; replaces glutamine 358 with arginine.
Molecular consequence: missense variant. On other transcripts: non-coding transcript variant (1).
Genome position (GRCh38, 1-based): chr17:58,734,164, A>G. VCF-style: chr17-58734164-A-G. GRCh37 (hg19) VCF-style: chr17-56811525-A-G.
Other names: short protein forms Q358R.
Identifiers: ClinVar variation 575905 (VCV000575905.14), dbSNP rs1567818677, ClinGen allele CA400366246.
Genomic context (GRCh38, chr17:58,734,164, plus strand): 5'-TTTTTATCTTTCAGCCTCAGGGATTTAGAGATACTGTTGTTACTTCTGCATGTTCATTGC[A>G]AACAGAAGGTTCCTTGAGCACCCGGAAACGGTCACGAGACCCAGAGGAAGAATTATAACC-3'
Protein context (NP_478123.1, residues 348-368): DTVVTSACSL[Gln358Arg]TEGSLSTRKR

ClinVar aggregate classification (germline): Conflicting classifications of pathogenicity. Review status: criteria provided, conflicting classifications (1 of 4 stars). 2 submissions from 2 submitters: Uncertain significance (1); Benign (1). Last evaluated 2026-02-04.

Conditions:
Hereditary cancer-predisposing syndrome. Also called: Hereditary neoplastic syndrome; Tumor predisposition; Hereditary Cancer Syndrome; Neoplastic Syndromes, Hereditary. Identifiers: Orphanet 140162, MedGen C0027672, MeSH D009386, MONDO:0015356.
Fanconi anemia complementation group O. Also called: RAD51C-Related Fanconi Anemia. Identifiers: Orphanet 84, MedGen C3150653, MONDO:0013248, OMIM 613390.

Allele frequency attached by ClinVar (database versions not stated): gnomAD exomes below 0.00001.

Submissions (2):

Labcorp Genetics (formerly Invitae), Labcorp
Classification: Uncertain significance for Fanconi anemia complementation group O. Last evaluated: 2026-02-04. Review status: criteria provided, single submitter. Criteria: Invitae Variant Classification Sherloc (09022015). Collection method: clinical testing. Allele origin: germline.
Comment: This sequence change replaces glutamine, which is neutral and polar, with arginine, which is basic and polar, at codon 358 of the RAD51C protein (p.Gln358Arg). This variant is not present in population databases (gnomAD no frequency). This variant has not been reported in the literature in individuals affected with RAD51C-related conditions. ClinVar contains an entry for this variant (Variation ID: 575905). An algorithm developed to predict the effect of missense changes on protein structure and function (PolyPhen-2) suggests that this variant is likely to be tolerated. In summary, the available evidence is currently insufficient to determine the role of this variant in disease. Therefore, it has been classified as a Variant of Uncertain Significance.

Ambry Genetics
Classification: Benign for Hereditary cancer-predisposing syndrome. Last evaluated: 2025-09-30. Review status: criteria provided, single submitter. Criteria: Ambry Variant Classification Scheme 2023. Collection method: clinical testing. Allele origin: germline.